The following is an entry in ClinVar:

NM_001845.6(COL4A1):c.2417C>T (p.Ala806Val)

Gene: COL4A1 (collagen type IV alpha 1 chain; minus strand). Cytogenetic location: 13q34.
Variant type: single nucleotide variant.
Coding change: c.2417C>T on transcript NM_001845.6 (MANE Select); coding-DNA position 2417, C replaced by T.
Protein change: p.Ala806Val; replaces alanine 806 with valine.
Molecular consequence: missense variant.
Genome position (GRCh38, 1-based): chr13:110,178,964, G>A on the plus strand (C>T on the coding strand, the complement: COL4A1 is on the minus strand). VCF-style: chr13-110178964-G-A. GRCh37 (hg19) VCF-style: chr13-110831311-G-A.
Other names: c.2417C>T (NM_001845.4); short protein forms A806V.
Identifiers: ClinVar variation 3619641 (VCV003619641.3).

ClinVar aggregate classification (germline): Uncertain significance. Review status: criteria provided, multiple submitters, no conflicts (2 of 4 stars). 2 submissions from 2 submitters: Uncertain significance (2). Last evaluated 2025-08-24.

Conditions:
Inborn genetic diseases. Identifiers: MedGen C0950123, MeSH D030342.

gnomAD v4.1: 2 of 1,612,420 alleles (0.00012%); highest among the groups gnomAD compares: Admixed American, 0.0033%; no homozygotes.

Submissions (2):

Ambry Genetics
Classification: Uncertain significance for Inborn genetic diseases. Last evaluated: 2025-08-24. Review status: criteria provided, single submitter. Criteria: Ambry Variant Classification Scheme 2023. Collection method: clinical testing. Allele origin: germline.

Labcorp Genetics (formerly Invitae), Labcorp
Classification: Uncertain significance. Last evaluated: 2024-02-06. Review status: criteria provided, single submitter. Criteria: Invitae Variant Classification Sherloc (09022015). Collection method: clinical testing. Allele origin: germline.
Comment: This sequence change replaces alanine, which is neutral and non-polar, with valine, which is neutral and non-polar, at codon 806 of the COL4A1 protein (p.Ala806Val). This variant is not present in population databases (gnomAD no frequency). This variant has not been reported in the literature in individuals affected with COL4A1-related conditions. Algorithms developed to predict the effect of missense changes on protein structure and function output the following: SIFT: "Not Available"; PolyPhen-2: "Benign"; Align-GVGD: "Not Available". The valine amino acid residue is found in multiple mammalian species, which suggests that this missense change does not adversely affect protein function. In summary, the available evidence is currently insufficient to determine the role of this variant in disease. Therefore, it has been classified as a Variant of Uncertain Significance.